The following is an entry in ClinVar:

NM_001375524.1(TRRAP):c.6554T>C (p.Leu2185Pro)

Gene: TRRAP (transformation/transcription domain associated protein; plus strand). Cytogenetic location: 7q22.1.
Variant type: single nucleotide variant.
Coding change: c.6554T>C on transcript NM_001375524.1 (MANE Select); coding-DNA position 6554, T replaced by C.
Protein change: p.Leu2185Pro; replaces leucine 2185 with proline.
Molecular consequence: missense variant.
Genome position (GRCh38, 1-based): chr7:98,961,325, T>C. VCF-style: chr7-98961325-T-C. GRCh37 (hg19) VCF-style: chr7-98558948-T-C.
Other names: c.6533T>C, p.Leu2178Pro (NM_001244580.2); c.6479T>C, p.Leu2160Pro (NM_003496.4); short protein forms L2178P, L2160P, L2185P.
Identifiers: ClinVar variation 2376028 (VCV002376028.5), dbSNP rs199763090, ClinGen allele CA4360906.

ClinVar aggregate classification (germline): Conflicting classifications of pathogenicity. Review status: criteria provided, conflicting classifications (1 of 4 stars). 2 submissions from 2 submitters: Uncertain significance (1); Likely benign (1). Last evaluated 2025-10-13.

Conditions:
Inborn genetic diseases. Identifiers: MedGen C0950123, MeSH D030342.

Allele frequency attached by ClinVar (database versions not stated): 1000 Genomes Project 0.00020; ExAC 0.00005; gnomAD 0.00001; TOPMed 0.00003; 1000 Genomes Project 30x 0.00031.
gnomAD v4.1: 14 of 1,614,238 alleles (0.00087%); highest among the groups gnomAD compares: Admixed American, 0.023%; no homozygotes.

Submissions (2):

Labcorp Genetics (formerly Invitae), Labcorp
Classification: Uncertain significance. Last evaluated: 2025-10-13. Review status: criteria provided, single submitter. Criteria: Invitae Variant Classification Sherloc (09022015). Collection method: clinical testing. Allele origin: germline.
Comment: This sequence change replaces leucine, which is neutral and non-polar, with proline, which is neutral and non-polar, at codon 2160 of the TRRAP protein (p.Leu2160Pro). This variant is present in population databases (rs199763090, gnomAD 0.04%), and has an allele count higher than expected for a pathogenic variant. This variant has not been reported in the literature in individuals affected with TRRAP-related conditions. ClinVar contains an entry for this variant (Variation ID: 2376028). Invitae Evidence Modeling of protein sequence and biophysical properties (such as structural, functional, and spatial information, amino acid conservation, physicochemical variation, residue mobility, and thermodynamic stability) indicates that this missense variant is expected to disrupt TRRAP protein function with a positive predictive value of 80%. In summary, the available evidence is currently insufficient to determine the role of this variant in disease. Therefore, it has been classified as a Variant of Uncertain Significance.

Ambry Genetics
Classification: Likely benign for Inborn genetic diseases. Last evaluated: 2022-05-18. Review status: criteria provided, single submitter. Criteria: Ambry Variant Classification Scheme 2023. Collection method: clinical testing. Allele origin: germline.